The following is an entry in ClinVar:

NM_003200.5(TCF3):c.341A>G (p.Asp114Gly)

Gene: TCF3 (transcription factor 3; minus strand). Cytogenetic location: 19p13.3.
Variant type: single nucleotide variant.
Coding change: c.341A>G on transcript NM_003200.5 (MANE Select); coding-DNA position 341, A replaced by G.
Protein change: p.Asp114Gly; replaces aspartic acid 114 with glycine.
Molecular consequence: missense variant.
Genome position (GRCh38, 1-based): chr19:1,627,384, T>C on the plus strand (A>G on the coding strand, the complement: TCF3 is on the minus strand). VCF-style: chr19-1627384-T-C. GRCh37 (hg19) VCF-style: chr19-1627383-T-C.
Other names: c.341A>G, p.Asp114Gly (NM_001136139.4, NM_001351778.2, NM_001351779.2); short protein forms D114G.
Identifiers: ClinVar variation 1435291 (VCV001435291.6), dbSNP rs751494452, ClinGen allele CA9050445.
Genomic context (GRCh38, chr19:1,627,384, plus strand): 5'-TCAAAATACACCCCAGCCCGGCCCGAGCCCCTCACCTGAGTCAGGCCGCCCACGCCTGCG[T>C]CTCTCCCGAAGGAGGCATAGGCGCCCCGCTCACCGCTCTTGCCTGCAAGGGGAGAAGGAA-3'
Protein context (NP_003191.1, residues 104-124): ERGAYASFGR[Asp114Gly]AGVGGLTQAG

ClinVar aggregate classification (germline): Uncertain significance (1 of 4 stars; one submission).

Allele frequency attached by ClinVar (database versions not stated): gnomAD exomes below 0.00001; TOPMed below 0.00001; ExAC 0.00001; gnomAD 0.00001.

Submission:

Labcorp Genetics (formerly Invitae), Labcorp
Classification: Uncertain significance. Last evaluated: 2022-06-13. Review status: criteria provided, single submitter. Criteria: Invitae Variant Classification Sherloc (09022015). Collection method: clinical testing. Allele origin: germline.
Comment: In summary, the available evidence is currently insufficient to determine the role of this variant in disease. Therefore, it has been classified as a Variant of Uncertain Significance. Algorithms developed to predict the effect of missense changes on protein structure and function are either unavailable or do not agree on the potential impact of this missense change (SIFT: "Not Available"; PolyPhen-2: "Possibly Damaging"; Align-GVGD: "Not Available"). This variant has not been reported in the literature in individuals affected with TCF3-related conditions. This variant is present in population databases (rs751494452, gnomAD 0.007%). This sequence change replaces aspartic acid with glycine at codon 114 of the TCF3 protein (p.Asp114Gly). The aspartic acid residue is moderately conserved and there is a moderate physicochemical difference between aspartic acid and glycine.